The following is an entry in ClinVar:

ClinVar aggregate classification (germline): Uncertain significance. Review status: criteria provided, multiple submitters, no conflicts (2 of 4 stars). 2 submissions from 2 submitters: Uncertain significance (2). Last evaluated 2026-02-12.

Conditions:
Developmental and epileptic encephalopathy, 42 (DEE42A). Also called: EPILEPTIC ENCEPHALOPATHY, EARLY INFANTILE, 42A; DEVELOPMENTAL AND EPILEPTIC ENCEPHALOPATHY 42A; Epileptic encephalopathy, early infantile, 42. Identifiers: MedGen C4310716, MONDO:0014917, OMIM 617106.
Episodic ataxia type 2 (EA2). Also called: ATAXIA, EPISODIC, WITH NYSTAGMUS; ATAXIA, FAMILIAL PAROXYSMAL; CEREBELLAR ATAXIA, PAROXYSMAL, ACETAZOLAMIDE-RESPONSIVE; CEREBELLOPATHY, HEREDITARY PAROXYSMAL; EPISODIC ATAXIA, NYSTAGMUS-ASSOCIATED; ACETAZOLAMIDE-RESPONSIVE HEREDITARY PAROXYSMAL CEREBELLAR ATAXIA. Identifiers: Orphanet 97, MedGen C1720416, MONDO:0007163, OMIM 108500.

Submissions (2):

GeneDx
Classification: Uncertain significance. Last evaluated: 2026-02-12. Review status: criteria provided, single submitter. Criteria: GeneDx Variant Classification Process June 2021. Collection method: clinical testing. Allele origin: germline.
Comment: Not observed at significant frequency in large population cohorts (gnomAD); In silico analysis supports that this missense variant has a deleterious effect on protein structure/function; Has not been previously published as pathogenic or benign to our knowledge

Labcorp Genetics (formerly Invitae), Labcorp
Classification: Uncertain significance for Developmental and epileptic encephalopathy, 42; Episodic ataxia type 2. Last evaluated: 2026-01-27. Review status: criteria provided, single submitter. Criteria: Invitae Variant Classification Sherloc (09022015). Collection method: clinical testing. Allele origin: germline.
Comment: This sequence change replaces alanine, which is neutral and non-polar, with threonine, which is neutral and polar, at codon 1787 of the CACNA1A protein (p.Ala1787Thr). This variant is not present in population databases (gnomAD no frequency). This variant has not been reported in the literature in individuals affected with CACNA1A-related conditions. ClinVar contains an entry for this variant (Variation ID: 3754152). Invitae Evidence Modeling of protein sequence and biophysical properties (such as structural, functional, and spatial information, amino acid conservation, physicochemical variation, residue mobility, and thermodynamic stability) indicates that this missense variant is expected to disrupt CACNA1A protein function with a positive predictive value of 95%. In summary, the available evidence is currently insufficient to determine the role of this variant in disease. Therefore, it has been classified as a Variant of Uncertain Significance.

NM_001127222.2(CACNA1A):c.5356G>A (p.Ala1786Thr)

Gene: CACNA1A (calcium voltage-gated channel subunit alpha1 A; minus strand). Cytogenetic location: 19p13.13.
Variant type: single nucleotide variant.
Coding change: c.5356G>A on transcript NM_001127222.2 (MANE Select); coding-DNA position 5356, G replaced by A.
Protein change: p.Ala1786Thr; replaces alanine 1786 with threonine.
Molecular consequence: missense variant.
Genome position (GRCh38, 1-based): chr19:13,231,754, C>T on the plus strand (G>A on the coding strand, the complement: CACNA1A is on the minus strand). VCF-style: chr19-13231754-C-T. GRCh37 (hg19) VCF-style: chr19-13342568-C-T.
Other names: c.5374G>A, p.Ala1792Thr (NM_000068.4, NM_023035.3); c.5359G>A, p.Ala1787Thr (NM_001127221.2); c.5365G>A, p.Ala1789Thr (NM_001174080.2); short protein forms A1786T, A1787T, A1789T, A1792T.
Identifiers: ClinVar variation 3754152 (VCV003754152.3).